The following is an entry in ClinVar:

ClinVar aggregate classification (germline): Uncertain significance (1 of 4 stars; one submission).

Submission:

Labcorp Genetics (formerly Invitae), Labcorp
Classification: Uncertain significance. Last evaluated: 2021-08-27. Review status: criteria provided, single submitter. Criteria: Invitae Variant Classification Sherloc (09022015). Collection method: clinical testing. Allele origin: germline.
Comment: This sequence change replaces alanine with threonine at codon 1990 of the CDH23 protein (p.Ala1990Thr). The alanine residue is moderately conserved and there is a small physicochemical difference between alanine and threonine. This variant is not present in population databases (ExAC no frequency). This variant has not been reported in the literature in individuals affected with CDH23-related conditions. Algorithms developed to predict the effect of missense changes on protein structure and function are either unavailable or do not agree on the potential impact of this missense change (SIFT: "Tolerated"; PolyPhen-2: "Not Available"; Align-GVGD: "Class C0"). In summary, the available evidence is currently insufficient to determine the role of this variant in disease. Therefore, it has been classified as a Variant of Uncertain Significance.

NM_022124.6(CDH23):c.5968G>A (p.Ala1990Thr)

Gene: CDH23 (cadherin related 23; plus strand). Cytogenetic location: 10q22.1.
Variant type: single nucleotide variant.
Coding change: c.5968G>A on transcript NM_022124.6 (MANE Select); coding-DNA position 5968, G replaced by A.
Protein change: p.Ala1990Thr; replaces alanine 1990 with threonine.
Molecular consequence: missense variant.
Genome position (GRCh38, 1-based): chr10:71,790,332, G>A. VCF-style: chr10-71790332-G-A. GRCh37 (hg19) VCF-style: chr10-73550089-G-A.
Other names: short protein forms A1990T.
Identifiers: ClinVar variation 968967 (VCV000968967.7), dbSNP rs775128556, ClinGen allele CA377150625.